The following is an entry in ClinVar:

NM_003673.4(TCAP):c.293A>G (p.Lys98Arg)

Gene: TCAP (titin-cap; plus strand). Cytogenetic location: 17q12.
Variant type: single nucleotide variant.
Coding change: c.293A>G on transcript NM_003673.4 (MANE Select); coding-DNA position 293, A replaced by G.
Protein change: p.Lys98Arg; replaces lysine 98 with arginine.
Molecular consequence: missense variant.
Genome position (GRCh38, 1-based): chr17:39,665,898, A>G. VCF-style: chr17-39665898-A-G. GRCh37 (hg19) VCF-style: chr17-37822151-A-G.
Other names: short protein forms K98R.
Identifiers: ClinVar variation 3748646 (VCV003748646.3).
Genomic context (GRCh38, chr17:39,665,898, plus strand): 5'-TGCAGGAGTACCAGCTGCCCTACCAGCGGGTACTGCCGCTGCCCATCTTCACCCCTGCCA[A>G]GATGGGCGCCACCAAGGAGGAGCGTGAGGACACCCCCATCCAGCTTCAGGAGCTGCTGGC-3'
Protein context (NP_003664.1, residues 88-108): VLPLPIFTPA[Lys98Arg]MGATKEERED

ClinVar aggregate classification (germline): Uncertain significance. Review status: criteria provided, multiple submitters, no conflicts (2 of 4 stars). 2 submissions from 2 submitters: Uncertain significance (2). Last evaluated 2024-03-12.

Conditions:
Primary familial hypertrophic cardiomyopathy (HCM). Identifiers: Orphanet 99739, MedGen C0949658, MeSH D024741, MONDO:0024573. Inheritance: Various modes of inheritance.
Hypertrophic cardiomyopathy 25 (CMH25). Also called: CARDIOMYOPATHY, FAMILIAL HYPERTROPHIC, 25. Identifiers: MedGen C4225408, MONDO:0011843, OMIM 607487.

Submissions (2):

Labcorp Genetics (formerly Invitae), Labcorp
Classification: Uncertain significance for Hypertrophic cardiomyopathy 25; Primary familial hypertrophic cardiomyopathy. Last evaluated: 2024-03-12. Review status: criteria provided, single submitter. Criteria: Invitae Variant Classification Sherloc (09022015). Collection method: clinical testing. Allele origin: germline.
Comment: This sequence change replaces lysine, which is basic and polar, with arginine, which is basic and polar, at codon 98 of the TCAP protein (p.Lys98Arg). This variant is not present in population databases (gnomAD no frequency). This variant has not been reported in the literature in individuals affected with TCAP-related conditions. An algorithm developed to predict the effect of missense changes on protein structure and function (PolyPhen-2) suggests that this variant is likely to be disruptive. Experimental studies have shown that this missense change affects TCAP function (PMID: 32937135). In summary, the available evidence is currently insufficient to determine the role of this variant in disease. Therefore, it has been classified as a Variant of Uncertain Significance.

Revvity Omics, Revvity
Classification: Uncertain significance. Last evaluated: 2023-08-31. Review status: criteria provided, single submitter. Criteria: ACMG Guidelines, 2015. Collection method: clinical testing. Allele origin: germline.

Literature cited by the submitters: PubMed 32937135 (cited by Labcorp Genetics (formerly Invitae), Labcorp).